The following is an entry in ClinVar:

ClinVar aggregate classification (germline): Likely pathogenic (1 of 4 stars; one submission).

Conditions:
Mendelian susceptibility to mycobacterial diseases due to partial STAT1 deficiency. Also called: IMMUNODEFICIENCY 31A, MYCOBACTERIOSIS, AUTOSOMAL DOMINANT; STAT1 DEFICIENCY, AUTOSOMAL DOMINANT; Immunodeficiency 31a. Identifiers: Orphanet 319595, MedGen C4013950, MONDO:0013956, OMIM 614892.
Immunodeficiency 31B. Also called: IMMUNODEFICIENCY 31B, MYCOBACTERIAL AND VIRAL INFECTIONS, AUTOSOMAL RECESSIVE; STAT1 DEFICIENCY, AUTOSOMAL RECESSIVE. Identifiers: Orphanet 391311, MedGen C3151088, MONDO:0013427, OMIM 613796.
Autoimmune enteropathy and endocrinopathy - susceptibility to chronic infections syndrome. Also called: Immunodeficiency 31C; Immunodeficiency 31C, autosomal dominant. Identifiers: Orphanet 391487, MedGen C3279990, MONDO:0013599, OMIM 614162.

Submission:

Labcorp Genetics (formerly Invitae), Labcorp
Classification: Likely pathogenic for Mendelian susceptibility to mycobacterial diseases due to partial STAT1 deficiency; Immunodeficiency 31B; Autoimmune enteropathy and endocrinopathy - susceptibility to chronic infections syndrome. Last evaluated: 2025-05-26. Review status: criteria provided, single submitter. Criteria: Invitae Variant Classification Sherloc (09022015). Collection method: clinical testing. Allele origin: germline.
Comment: This sequence change replaces methionine, which is neutral and non-polar, with lysine, which is basic and polar, at codon 325 of the STAT1 protein (p.Met325Lys). This variant is not present in population databases (gnomAD no frequency). This missense change has been observed in individual(s) with chronic mucocutaneous candidiasis (PMID: 31686315; internal data). In at least one individual the variant was observed to be de novo. ClinVar contains an entry for this variant (Variation ID: 1929284). An algorithm developed to predict the effect of missense changes on protein structure and function (PolyPhen-2) suggests that this variant is likely to be disruptive. Studies have shown that this missense change alters STAT1 gene expression (PMID: 31686315). In summary, the currently available evidence indicates that the variant is pathogenic, but additional data are needed to prove that conclusively. Therefore, this variant has been classified as Likely Pathogenic.

Literature cited by the submitters: PubMed 31686315.

NM_007315.4(STAT1):c.974T>A (p.Met325Lys)

Gene: STAT1 (signal transducer and activator of transcription 1; minus strand). Cytogenetic location: 2q32.2.
Variant type: single nucleotide variant.
Coding change: c.974T>A on transcript NM_007315.4 (MANE Select); coding-DNA position 974, T replaced by A.
Protein change: p.Met325Lys; replaces methionine 325 with lysine.
Molecular consequence: missense variant. On other transcripts: intron variant (1).
Genome position (GRCh38, 1-based): chr2:190,991,291, A>T on the plus strand (T>A on the coding strand, the complement: STAT1 is on the minus strand). VCF-style: chr2-190991291-A-T. GRCh37 (hg19) VCF-style: chr2-191856017-A-T.
Other names: c.974T>A, p.Met325Lys (NM_001384880.1, NM_001384882.1, NM_001384886.1 and 3 more transcripts); c.980T>A, p.Met327Lys (NM_001384881.1, NM_001384884.1); c.875T>A, p.Met292Lys (NM_001384883.1); c.815T>A, p.Met272Lys (NM_001384885.1); c.884T>A, p.Met295Lys (NM_001384890.1); c.1010T>A, p.Met337Lys (NM_001384891.1); c.945-1617T>A (NM_001384887.1); short protein forms M292K, M272K, M295K, M325K, M327K, M337K.
Identifiers: ClinVar variation 1929284 (VCV001929284.5), dbSNP rs2470484242, ClinGen allele CA349920791.